The following is an entry in ClinVar:

NM_002485.5(NBN):c.262del (p.Ser88fs)

Gene: NBN (nibrin; minus strand). Cytogenetic location: 8q21.3.
Variant type: Deletion.
Coding change: c.262del on transcript NM_002485.5 (MANE Select); coding-DNA position 262, one base deleted (T; older notation c.262delT).
Protein change: p.Ser88fs; shifts the reading frame from serine 88.
Molecular consequence: frameshift variant.
Genome position (GRCh38, 1-based): chr8:89,981,433, A deleted on the plus strand (T on the coding strand, the reverse complement: NBN is on the minus strand); the first of 4 consecutive A bases (chr8:89,981,433-89,981,436); deleting any one gives the same sequence. VCF-style (leftmost placement, unchanged base first): chr8-89981432-GA-G. GRCh37 (hg19) VCF-style: chr8-90993660-GA-G.
Other names: c.16del, p.Ser6fs (NM_001024688.3); short protein forms S6fs, S88fs.
Identifiers: ClinVar variation 3642106 (VCV003642106.2).
Genomic context (GRCh38, chr8:89,981,432, plus strand): 5'-TACCTGAATTTACTTCCAAACACTCCAAAAGTAATACCATCCCCCGACTTCAAAGTTCGG[GA>G]AAAGCCATTCTGCATTTTTTCCTCATTAACAAAGGTACCATACTTAGAATTATCTTTTAA-3'

ClinVar aggregate classification (germline): Pathogenic (1 of 4 stars; one submission).

Conditions:
Microcephaly, normal intelligence and immunodeficiency (NBS). Also called: IMMUNODEFICIENCY, MICROCEPHALY, AND CHROMOSOMAL INSTABILITY; SEEMANOVA SYNDROME II; Nijmegen breakage syndrome; Microcephaly with normal intelligence immunodeficiency and lymphoreticular malignancies; Nonsyndromal microcephaly autosomal recessive with normal intelligence; Seemanova syndrome 2. Identifiers: Orphanet 647, MedGen C0398791, MONDO:0009623, OMIM 251260.

Submission:

Labcorp Genetics (formerly Invitae), Labcorp
Classification: Pathogenic for Microcephaly, normal intelligence and immunodeficiency. Last evaluated: 2024-02-19. Review status: criteria provided, single submitter. Criteria: Invitae Variant Classification Sherloc (09022015). Collection method: clinical testing. Allele origin: germline.
Comment: This sequence change creates a premature translational stop signal (p.Ser88Profs*4) in the NBN gene. It is expected to result in an absent or disrupted protein product. Loss-of-function variants in NBN are known to be pathogenic (PMID: 9590180, 16415040). This variant is not present in population databases (gnomAD no frequency). This variant has not been reported in the literature in individuals affected with NBN-related conditions. Algorithms developed to predict the effect of sequence changes on RNA splicing suggest that this variant may disrupt the consensus splice site. For these reasons, this variant has been classified as Pathogenic.

Literature cited by the submitters: PubMed 9590180; PubMed 16415040.